The following is an entry in ClinVar:

ClinVar aggregate classification (germline): Uncertain significance. Review status: criteria provided, single submitter (1 of 4 stars). 2 submissions from 2 submitters: Uncertain significance (1). 1 of the submissions does not count toward it. Last evaluated 2023-12-29.

Conditions:
Bardet-Biedl syndrome 20. Identifiers: MedGen C4310707, MONDO:0023670, OMIM 619471, MONDO:0014926.
Short-rib thoracic dysplasia 10 with or without polydactyly (SRTD10). Identifiers: Orphanet 474, MedGen C3810175, MONDO:0014284, OMIM 615630.
Retinitis pigmentosa 71 (RP71). Identifiers: Orphanet 791, MedGen C4225342, MONDO:0014618, OMIM 616394.
IFT172-related disorder. Also called: IFT172-related disorders; IFT172-related condition.

gnomAD v4.1: 1 of 1,614,022 alleles (0.000062%); no homozygotes.

Submissions (2):

Fulgent Genetics
Classification: Uncertain significance for Short-rib thoracic dysplasia 10 with or without polydactyly; Retinitis pigmentosa 71; Bardet-Biedl syndrome 20. Last evaluated: 2023-12-29. Review status: criteria provided, single submitter. Criteria: ACMG Guidelines, 2015. Collection method: clinical testing. Allele origin: germline.

PreventionGenetics, part of Exact Sciences
Classification: Uncertain significance for IFT172-related condition. Last evaluated: 2024-03-15. Review status: no assertion criteria provided. Collection method: clinical testing. Allele origin: germline. Not counted in ClinVar's aggregate classification.
Comment: The IFT172 c.3465G>T variant is predicted to result in the amino acid substitution p.Glu1155Asp. To our knowledge, this variant has not been reported in the literature or in a large population database, indicating this variant is rare. At this time, the clinical significance of this variant is uncertain due to the absence of conclusive functional and genetic evidence.

NM_015662.3(IFT172):c.3465G>T (p.Glu1155Asp)

Gene: IFT172 (intraflagellar transport 172; minus strand). Cytogenetic location: 2p23.3.
Variant type: single nucleotide variant.
Coding change: c.3465G>T on transcript NM_015662.3 (MANE Select); coding-DNA position 3465, G replaced by T.
Protein change: p.Glu1155Asp; replaces glutamic acid 1155 with aspartic acid.
Molecular consequence: missense variant.
Genome position (GRCh38, 1-based): chr2:27,454,567, C>A on the plus strand (G>T on the coding strand, the complement: IFT172 is on the minus strand). VCF-style: chr2-27454567-C-A. GRCh37 (hg19) VCF-style: chr2-27677434-C-A.
Other names: c.3399G>T, p.Glu1133Asp (NM_001410739.1); short protein forms E1133D, E1155D.
Identifiers: ClinVar variation 3348931 (VCV003348931.2).